The following is an entry in ClinVar:

NM_001365999.1(SZT2):c.1412A>G (p.His471Arg)

Gene: SZT2 (SZT2 subunit of KICSTOR complex; plus strand). Cytogenetic location: 1p34.2.
Variant type: single nucleotide variant.
Coding change: c.1412A>G on transcript NM_001365999.1 (MANE Select); coding-DNA position 1412, A replaced by G.
Protein change: p.His471Arg; replaces histidine 471 with arginine.
Molecular consequence: missense variant.
Genome position (GRCh38, 1-based): chr1:43,420,899, A>G. VCF-style: chr1-43420899-A-G. GRCh37 (hg19) VCF-style: chr1-43886570-A-G.
Other names: c.1412A>G, p.His471Arg (NM_015284.4); c.1412A>G (NM_015284.3); short protein forms H471R.
Identifiers: ClinVar variation 2151057 (VCV002151057.2), dbSNP rs2545802743, ClinGen allele CA340007597.

ClinVar aggregate classification (germline): Uncertain significance. Review status: criteria provided, multiple submitters, no conflicts (2 of 4 stars). 2 submissions from 2 submitters: Uncertain significance (2). Last evaluated 2025-06-11.

Conditions:
Inborn genetic diseases. Identifiers: MedGen C0950123, MeSH D030342.

Allele frequency attached by ClinVar (database versions not stated): gnomAD exomes below 0.00001.
gnomAD v4.1: 1 of 1,598,454 alleles (0.000063%); highest among the groups gnomAD compares: Non-Finnish European, 0.000085%; no homozygotes.

Submissions (2):

Ambry Genetics
Classification: Uncertain significance for Inborn genetic diseases. Last evaluated: 2025-06-11. Review status: criteria provided, single submitter. Criteria: Ambry Variant Classification Scheme 2023. Collection method: clinical testing. Allele origin: germline.

Labcorp Genetics (formerly Invitae), Labcorp
Classification: Uncertain significance. Last evaluated: 2022-06-27. Review status: criteria provided, single submitter. Criteria: Invitae Variant Classification Sherloc (09022015). Collection method: clinical testing. Allele origin: germline.
Comment: This sequence change replaces histidine, which is basic and polar, with arginine, which is basic and polar, at codon 471 of the SZT2 protein (p.His471Arg). This variant is not present in population databases (gnomAD no frequency). This variant has not been reported in the literature in individuals affected with SZT2-related conditions. Algorithms developed to predict the effect of missense changes on protein structure and function are either unavailable or do not agree on the potential impact of this missense change (SIFT: "Tolerated"; PolyPhen-2: "Probably Damaging"; Align-GVGD: "Class C0"). In summary, the available evidence is currently insufficient to determine the role of this variant in disease. Therefore, it has been classified as a Variant of Uncertain Significance.